The following is an entry in ClinVar:

ClinVar aggregate classification (germline): Uncertain significance. Review status: criteria provided, multiple submitters, no conflicts (2 of 4 stars). 5 submissions from 5 submitters: Uncertain significance (5). Last evaluated 2025-06-19.

Conditions:
Hereditary breast ovarian cancer syndrome. Also called: Breast and ovarian cancer; Hereditary breast and/or ovarian cancer syndrome; Hereditary breast and ovarian cancer; Hereditary breast and ovarian cancer syndrome (HBOC); BRCA1- and BRCA2-Associated Hereditary Breast and Ovarian Cancer; Hereditary breast and ovarian cancer syndrome. Identifiers: Orphanet 145, MedGen C0677776, MeSH D061325, MONDO:0003582. Disease mechanism: loss of function.
Familial cancer of breast. Also called: Hereditary breast cancer; BREAST CANCER, FAMILIAL; hereditary breast carcinoma. Identifiers: Orphanet 227535, MedGen C0346153, MONDO:0016419, OMIM 114480. Disease mechanism: loss of function.
Hereditary cancer-predisposing syndrome. Also called: Hereditary Cancer Syndrome; Neoplastic Syndromes, Hereditary; Tumor predisposition; Hereditary neoplastic syndrome. Identifiers: Orphanet 140162, MedGen C0027672, MeSH D009386, MONDO:0015356.

Allele frequency attached by ClinVar (database versions not stated): gnomAD exomes below 0.00001; ExAC 0.00001; TOPMed 0.00001; gnomAD 0.00002 and 0.00003.
gnomAD v4.1: 4 of 1,613,998 alleles (0.00025%); highest among the groups gnomAD compares: African/African-American, 0.004%; no homozygotes.

Submissions (5):

Ambry Genetics
Classification: Uncertain significance for Hereditary cancer-predisposing syndrome. Last evaluated: 2025-06-19. Review status: criteria provided, single submitter. Criteria: Ambry Variant Classification Scheme 2023. Collection method: clinical testing. Allele origin: germline.
Comment: The p.I388T variant (also known as c.1163T>C), located in coding exon 4 of the BARD1 gene, results from a T to C substitution at nucleotide position 1163. The isoleucine at codon 388 is replaced by threonine, an amino acid with similar properties. This amino acid position is poorly conserved in available vertebrate species. In addition, this alteration is predicted to be tolerated by in silico analysis. Since supporting evidence is limited at this time, the clinical significance of this alteration remains unclear.

Labcorp Genetics (formerly Invitae), Labcorp
Classification: Uncertain significance for Familial cancer of breast. Last evaluated: 2025-03-25. Review status: criteria provided, single submitter. Criteria: Invitae Variant Classification Sherloc (09022015). Collection method: clinical testing. Allele origin: germline.
Comment: This sequence change replaces isoleucine, which is neutral and non-polar, with threonine, which is neutral and polar, at codon 388 of the BARD1 protein (p.Ile388Thr). This variant is present in population databases (rs748322604, gnomAD 0.008%). This variant has not been reported in the literature in individuals affected with BARD1-related conditions. ClinVar contains an entry for this variant (Variation ID: 490921). An algorithm developed to predict the effect of missense changes on protein structure and function (PolyPhen-2) suggests that this variant is likely to be tolerated. In summary, the available evidence is currently insufficient to determine the role of this variant in disease. Therefore, it has been classified as a Variant of Uncertain Significance.

Color Diagnostics, LLC DBA Color Health
Classification: Uncertain significance for Hereditary cancer-predisposing syndrome. Last evaluated: 2023-12-04. Review status: criteria provided, single submitter. Criteria: ACMG Guidelines, 2015. Collection method: clinical testing. Allele origin: germline.
Comment: This missense variant replaces isoleucine with threonine at codon 388 of the BARD1 protein. Computational prediction suggests that this variant may not impact protein structure and function (internally defined REVEL score threshold <= 0.5, PMID: 27666373). To our knowledge, functional studies have not been reported for this variant. This variant has not been reported in individuals affected with BARD1-related disorders in the literature. This variant has been identified in 3/282582 chromosomes in the general population by the Genome Aggregation Database (gnomAD). The available evidence is insufficient to determine the role of this variant in disease conclusively. Therefore, this variant is classified as a Variant of Uncertain Significance.

St. Jude Molecular Pathology, St. Jude Children's Research Hospital
Classification: Uncertain significance for Hereditary breast ovarian cancer syndrome. Last evaluated: 2021-10-18. Review status: criteria provided, single submitter. Criteria: St. Jude Assertion Criteria 2020. Collection method: clinical testing. Allele origin: germline.
Comment: The BARD1 c.1163T>C (p.Ile388Thr) missense change has a maximum subpopulation frequency of 0.0080% in gnomAD v2.1.1. It is absent in a database of women older than 70 years of age who have never had cancer. Seven of seven in silico tools predict a benign effect of this variant on protein function (BP4), but to our knowledge these predictions have not been confirmed by functional assays. To our knowledge, this variant has not been reported in individuals with hereditary breast and ovarian cancer. In summary, this variant meets criteria to be classified as of uncertain significance based on the ACMG/AMP criteria: BP4.

Sema4
Classification: Uncertain significance for Hereditary cancer-predisposing syndrome. Last evaluated: 2021-08-16. Review status: criteria provided, single submitter. Criteria: Sema4 Curation Guidelines. Collection method: curation. Allele origin: germline.
Comment: The BARD1 c.1163T>C (p.I388T) variant has not been reported in the literature to our knowledge. This variant was observed in 2/24962 chromosomes in the African/African American population according to the Genome Aggregation Database (PMID: 32461654). This variant has been reported in ClinVar (Variation ID 490921). In silico tools suggest the impact of the variant on protein function is benign, though these predictions have not been confirmed by functional studies. The overall evidence is insufficient to meet ACMG/AMP criteria for classifying it as benign or pathogenic. In summary, the clinical significance of this variant is currently uncertain.

NM_000465.4(BARD1):c.1163T>C (p.Ile388Thr)

Gene: BARD1 (BRCA1 associated RING domain 1; minus strand). Cytogenetic location: 2q35.
Variant type: single nucleotide variant.
Coding change: c.1163T>C on transcript NM_000465.4 (MANE Select); coding-DNA position 1163, T replaced by C.
Protein change: p.Ile388Thr; replaces isoleucine 388 with threonine.
Molecular consequence: missense variant. On other transcripts: non-coding transcript variant (2), intron variant (3).
Genome position (GRCh38, 1-based): chr2:214,780,711, A>G on the plus strand (T>C on the coding strand, the complement: BARD1 is on the minus strand). VCF-style: chr2-214780711-A-G. GRCh37 (hg19) VCF-style: chr2-215645435-A-G.
Other names: c.1106T>C, p.Ile369Thr (NM_001282543.2); c.159-28156T>C (NM_001282548.2); c.215+16350T>C (NM_001282545.2); c.364+11586T>C (NM_001282549.2); c.1163T>C (NM_000465.2); short protein forms I388T, I369T.
Identifiers: ClinVar variation 490921 (VCV000490921.21), dbSNP rs748322604, ClinGen allele CA2090331.
Genomic context (GRCh38, chr2:214,780,711, plus strand): 5'-ATCACTCGCCTGTAACTTGAACTACTTAATGTAGAAGGTGGTGTACCTGGTGAAAGACTA[A>G]TGAATTCATCGGACATGTTACTGTTTTTCCTCCCTGATGTACCACCAACTTTACGTTTGC-3'
Protein context (NP_000456.2, residues 378-398): RKNSNMSDEF[Ile388Thr]SLSPGTPPST